The following is an entry in ClinVar:

ClinVar aggregate classification (germline): Uncertain significance. Review status: criteria provided, multiple submitters, no conflicts (2 of 4 stars). 3 submissions from 3 submitters: Uncertain significance (3). Last evaluated 2025-03-26.

Conditions:
Hereditary cancer-predisposing syndrome. Also called: Hereditary neoplastic syndrome; Neoplastic Syndromes, Hereditary; Tumor predisposition; Hereditary Cancer Syndrome. Identifiers: Orphanet 140162, MedGen C0027672, MeSH D009386, MONDO:0015356.
Tuberous sclerosis syndrome (TSC). Also called: Tuberous Sclerosis Complex; Tuberous sclerosis. Identifiers: Orphanet 805, MedGen C0041341, MONDO:0001734.
Tuberous sclerosis 2 (TSC2). Identifiers: Orphanet 805, MedGen C1860707, MONDO:0013199, OMIM 613254.

Allele frequency attached by ClinVar (database versions not stated): TOPMed below 0.00001.
gnomAD v4.1: 2 of 1,612,742 alleles (0.00012%); highest among the groups gnomAD compares: Non-Finnish European, 0.000085%; no homozygotes.

Submissions (3):

Ambry Genetics
Classification: Uncertain significance for Hereditary cancer-predisposing syndrome. Last evaluated: 2025-03-26. Review status: criteria provided, single submitter. Criteria: Ambry Variant Classification Scheme 2023. Collection method: clinical testing. Allele origin: germline.
Comment: The p.R1529L variant (also known as c.4586G>T), located in coding exon 35 of the TSC2 gene, results from a G to T substitution at nucleotide position 4586. The arginine at codon 1529 is replaced by leucine, an amino acid with dissimilar properties. This amino acid position is highly conserved in available vertebrate species. In addition, this alteration is predicted to be deleterious by in silico analysis. Based on the available evidence, the clinical significance of this variant remains unclear.

Labcorp Genetics (formerly Invitae), Labcorp
Classification: Uncertain significance for Tuberous sclerosis 2. Last evaluated: 2024-09-03. Review status: criteria provided, single submitter. Criteria: Invitae Variant Classification Sherloc (09022015). Collection method: clinical testing. Allele origin: germline.
Comment: This sequence change replaces arginine, which is basic and polar, with leucine, which is neutral and non-polar, at codon 1529 of the TSC2 protein (p.Arg1529Leu). This variant is not present in population databases (gnomAD no frequency). This variant has not been reported in the literature in individuals affected with TSC2-related conditions. ClinVar contains an entry for this variant (Variation ID: 1046768). Invitae Evidence Modeling of protein sequence and biophysical properties (such as structural, functional, and spatial information, amino acid conservation, physicochemical variation, residue mobility, and thermodynamic stability) indicates that this missense variant is not expected to disrupt TSC2 protein function with a negative predictive value of 95%. RNA analysis performed to evaluate the impact of this missense change on mRNA splicing indicates it does not significantly alter splicing (internal data). In summary, the available evidence is currently insufficient to determine the role of this variant in disease. Therefore, it has been classified as a Variant of Uncertain Significance.

All of Us Research Program, National Institutes of Health
Classification: Uncertain significance for Tuberous sclerosis syndrome. Last evaluated: 2023-05-31. Review status: criteria provided, single submitter. Criteria: ACMG Guidelines, 2015. Collection method: clinical testing. Allele origin: germline. Inheritance: Autosomal dominant inheritance. Observed: 2 variant alleles, 2 heterozygotes.
Comment: This missense variant replaces arginine with leucine at codon 1529 of the TSC2 protein. Computational prediction suggests that this variant may have deleterious impact on protein structure and function (internally defined REVEL score threshold >= 0.7, PMID: 27666373). To our knowledge, functional studies have not been reported for this variant. This variant has not been reported in individuals affected with TSC2-related disorders in the literature. This variant has not been identified in the general population by the Genome Aggregation Database (gnomAD). The available evidence is insufficient to determine the role of this variant in disease conclusively. Therefore, this variant is classified as a Variant of Uncertain Significance.

This study involves interpretation of variants in research participants for the purpose of population health screening. Participant phenotype was not available at the time of variant classification. Additional details can be found in publication PMID: 35346344, PMCID: PMC8962531

NM_000548.5(TSC2):c.4586G>T (p.Arg1529Leu)

Gene: TSC2 (TSC complex subunit 2; plus strand). Cytogenetic location: 16p13.3.
Variant type: single nucleotide variant.
Coding change: c.4586G>T on transcript NM_000548.5 (MANE Select); coding-DNA position 4586, G replaced by T.
Protein change: p.Arg1529Leu; replaces arginine 1529 with leucine.
Molecular consequence: missense variant.
Genome position (GRCh38, 1-based): chr16:2,085,246, G>T. VCF-style: chr16-2085246-G-T. GRCh37 (hg19) VCF-style: chr16-2135247-G-T.
Other names: c.4586G>T (NM_000548.3); c.4385G>T, p.Arg1462Leu (NM_001077183.3); c.4517G>T, p.Arg1506Leu (NM_001114382.3); c.4277G>T, p.Arg1426Leu (NM_001318827.2); c.4241G>T, p.Arg1414Leu (NM_001318829.2); c.3854G>T, p.Arg1285Leu (NM_001318831.2); c.4418G>T, p.Arg1473Leu (NM_001318832.2); c.4388G>T, p.Arg1463Leu (NM_001363528.2); and 2 more; short protein forms R1426L, R1463L, R1485L, R1486L, R1506L, R1414L, R1462L, R1285L.
Identifiers: ClinVar variation 1046768 (VCV001046768.11), dbSNP rs769834772, ClinGen allele CA394304452.